The following is an entry in ClinVar:

ClinVar aggregate classification (germline): Uncertain significance. Review status: criteria provided, multiple submitters, no conflicts (2 of 4 stars). 2 submissions from 2 submitters: Uncertain significance (2). Last evaluated 2024-03-06.

Conditions:
Angelman syndrome (AS). Also called: HAPPY PUPPET SYNDROME. Identifiers: Orphanet 72, MedGen C0162635, MONDO:0007113, OMIM 105830. Disease mechanism: loss of function. Inheritance: imprinting disorder, AS is caused by disruption of maternally imprinted UBE3A located within the 15q11.2-q13 Angelman syndrome/Prader-Willi syndrome (AS/PWS) region..

Allele frequency attached by ClinVar (database versions not stated): gnomAD 0.00001; TOPMed 0.00001; gnomAD exomes 0.00003.

Submissions (2):

GeneDx
Classification: Uncertain significance. Last evaluated: 2024-03-06. Review status: criteria provided, single submitter. Criteria: GeneDx Variant Classification Process June 2021. Collection method: clinical testing. Allele origin: germline. Affected: yes.
Comment: Not observed at significant frequency in large population cohorts (gnomAD); In silico analysis supports that this missense variant does not alter protein structure/function; Has not been previously published as pathogenic or benign to our knowledge

Labcorp Genetics (formerly Invitae), Labcorp
Classification: Uncertain significance for Angelman syndrome. Last evaluated: 2022-08-06. Review status: criteria provided, single submitter. Criteria: Invitae Variant Classification Sherloc (09022015). Collection method: clinical testing. Allele origin: germline.
Comment: ClinVar contains an entry for this variant (Variation ID: 372667). In summary, the available evidence is currently insufficient to determine the role of this variant in disease. Therefore, it has been classified as a Variant of Uncertain Significance. Algorithms developed to predict the effect of missense changes on protein structure and function output the following: SIFT: "Not Available"; PolyPhen-2: "Benign"; Align-GVGD: "Not Available". The isoleucine amino acid residue is found in multiple mammalian species, which suggests that this missense change does not adversely affect protein function. This variant has not been reported in the literature in individuals affected with UBE3A-related conditions. This variant is not present in population databases (gnomAD no frequency). This sequence change replaces valine, which is neutral and non-polar, with isoleucine, which is neutral and non-polar, at codon 133 of the UBE3A protein (p.Val133Ile).

NM_130839.5(UBE3A):c.457G>A (p.Val153Ile)

Genes: SNHG14 (small nucleolar RNA host gene 14; plus strand), UBE3A (ubiquitin protein ligase E3A; minus strand). Cytogenetic location: 15q11.2.
Variant type: single nucleotide variant.
Coding change: c.457G>A on transcript NM_130839.5 (MANE Select); coding-DNA position 457, G replaced by A.
Protein change: p.Val153Ile; replaces valine 153 with isoleucine.
Molecular consequence: missense variant. On other transcripts: non-coding transcript variant (1), intron variant (2).
Genome position (GRCh38, 1-based): chr15:25,371,717, C>T on the plus strand (G>A on the coding strand, the complement: UBE3A is on the minus strand). VCF-style: chr15-25371717-C-T. GRCh37 (hg19) VCF-style: chr15-25616864-C-T.
Other names: c.466G>A, p.Val156Ile (NM_000462.5); c.457G>A, p.Val153Ile (NM_001354505.1, NM_001354538.2, NM_001354545.2); c.397G>A, p.Val133Ile (NM_001354506.2, NM_001354507.2, NM_001354508.2 and 17 more transcripts); c.280G>A, p.Val94Ile (NM_001354546.2); c.301+3748G>A (NM_001354551.2); c.361+3748G>A (NM_001354550.2); short protein forms V133I, V94I, V153I, V156I.
Identifiers: ClinVar variation 372667 (VCV000372667.11), dbSNP rs199636913, ClinGen allele CA16042966.